The following is an entry in ClinVar:

NM_001776.6(ENTPD1):c.834C>T (p.Leu278=)

Genes: ENTPD1 (ectonucleoside triphosphate diphosphohydrolase 1; plus strand), ENTPD1-AS1 (ENTPD1 antisense RNA 1; minus strand). Cytogenetic location: 10q24.1.
Variant type: single nucleotide variant.
Coding change: c.834C>T on transcript NM_001776.6 (MANE Select); coding-DNA position 834, C replaced by T.
Protein change: p.Leu278=; no amino-acid change (leucine 278 retained).
Molecular consequence: synonymous variant. On other transcripts: non-coding transcript variant (1), intron variant (1).
Genome position (GRCh38, 1-based): chr10:95,847,466, C>T. VCF-style: chr10-95847466-C-T. GRCh37 (hg19) VCF-style: chr10-97607223-C-T.
Other names: c.855C>T, p.Leu285= (NM_001098175.2); c.870C>T, p.Leu290= (NM_001164178.1, NM_001320916.1); c.510C>T, p.Leu170= (NM_001164181.1, NM_001312654.1); c.420C>T, p.Leu140= (NM_001164182.2, NM_001164183.2); c.814-103C>T (NM_001164179.2).
Identifiers: ClinVar variation 705302 (VCV000705302.36), dbSNP rs780370619, ClinGen allele CA5621485.

ClinVar aggregate classification (germline): Conflicting classifications of pathogenicity. Review status: criteria provided, conflicting classifications (1 of 4 stars). 3 submissions from 3 submitters: Uncertain significance (1); Likely benign (2). Last evaluated 2025-02-17.

Conditions:
Hereditary spastic paraplegia 64. Also called: Spastic paraplegia 64, autosomal recessive; ENTPD1-Related Neurodevelopmental Disorder. Identifiers: Orphanet 401810, MedGen C3810289, MONDO:0014303, OMIM 615683.
Hereditary spastic paraplegia. Also called: Familial spastic paraparesis. Identifiers: Orphanet 685, MedGen C0037773, MONDO:0019064. Disease mechanism: loss of function.

Allele frequency attached by ClinVar (database versions not stated): gnomAD exomes 0.00013 and 0.00031; gnomAD 0.00014 and 0.00015; ExAC 0.00016; TOPMed 0.00017.
gnomAD v4.1: 467 of 1,614,014 alleles (0.029%); highest among the groups gnomAD compares: Non-Finnish European, 0.039%; no homozygotes.

Submissions (3):

Labcorp Genetics (formerly Invitae), Labcorp
Classification: Likely benign for Hereditary spastic paraplegia 64. Last evaluated: 2025-02-17. Review status: criteria provided, single submitter. Criteria: Invitae Variant Classification Sherloc (09022015). Collection method: clinical testing. Allele origin: germline.

CeGaT Center for Human Genetics Tuebingen
Classification: Likely benign. Last evaluated: 2023-12-01. Review status: criteria provided, single submitter. Criteria: CeGaT Center For Human Genetics Tuebingen Variant Classification Criteria Version 2. Collection method: clinical testing. Allele origin: germline. Affected: yes. Observed: 2 variant alleles.
Comment: ENTPD1: BP4, BP7

Genome Diagnostics Laboratory, The Hospital for Sick Children
Classification: Uncertain significance for Hereditary spastic paraplegia. Last evaluated: 2020-04-01. Review status: criteria provided, single submitter. Criteria: ACMG Guidelines, 2015. Collection method: clinical testing. Allele origin: germline. Affected: yes.